The following is an entry in ClinVar:

ClinVar aggregate classification (germline): Uncertain significance. Review status: criteria provided, multiple submitters, no conflicts (2 of 4 stars). 4 submissions from 4 submitters: Uncertain significance (3). 1 of the submissions does not count toward it. Last evaluated 2025-11-24.

Conditions:
Alagille syndrome due to a NOTCH2 point mutation. Also called: Alagille syndrome 2. Identifiers: Orphanet 261629, Orphanet 52, MedGen C1857761, MONDO:0012439, OMIM 610205.
Hajdu-Cheney syndrome (HJCYS). Also called: ACROOSTEOLYSIS WITH OSTEOPOROSIS AND CHANGES IN SKULL AND MANDIBLE; Acroosteolysis dominant type; SERPENTINE FIBULA-POLYCYSTIC KIDNEY SYNDROME. Identifiers: Orphanet 955, MedGen C0917715, MONDO:0007057, OMIM 102500.

Allele frequency attached by ClinVar (database versions not stated): gnomAD 0.00001.
gnomAD v4.1: 3 of 1,614,092 alleles (0.00019%); highest among the groups gnomAD compares: Admixed American, 0.0033%; no homozygotes.

Submissions (4):

Labcorp Genetics (formerly Invitae), Labcorp
Classification: Uncertain significance for Hajdu-Cheney syndrome. Last evaluated: 2025-11-24. Review status: criteria provided, single submitter. Criteria: Invitae Variant Classification Sherloc (09022015). Collection method: clinical testing. Allele origin: germline.
Comment: This sequence change replaces histidine, which is basic and polar, with tyrosine, which is neutral and polar, at codon 1234 of the NOTCH2 protein (p.His1234Tyr). This variant is not present in population databases (gnomAD no frequency). This variant has not been reported in the literature in individuals affected with NOTCH2-related conditions. ClinVar contains an entry for this variant (Variation ID: 134970). Invitae Evidence Modeling of protein sequence and biophysical properties (such as structural, functional, and spatial information, amino acid conservation, physicochemical variation, residue mobility, and thermodynamic stability) indicates that this missense variant is not expected to disrupt NOTCH2 protein function with a negative predictive value of 80%. In summary, the available evidence is currently insufficient to determine the role of this variant in disease. Therefore, it has been classified as a Variant of Uncertain Significance.

Fulgent Genetics
Classification: Uncertain significance for Hajdu-Cheney syndrome; Alagille syndrome due to a NOTCH2 point mutation. Last evaluated: 2024-01-30. Review status: criteria provided, single submitter. Criteria: ACMG Guidelines, 2015. Collection method: clinical testing. Allele origin: germline.

Eurofins Ntd Llc (ga)
Classification: Uncertain significance. Last evaluated: 2018-03-06. Review status: criteria provided, single submitter. Criteria: EGL ClinVar v180209 classification definitions. Collection method: clinical testing. Allele origin: germline. Observed: 1 variant allele, 1 heterozygote.

ITMI
No classification provided. Condition: AllHighlyPenetrant. Last evaluated: 2013-09-19. Review status: no classification provided. Collection method: reference population. Allele origin: germline. Not counted in ClinVar's aggregate classification.
Comment: Please see associated publication for description of ethnicities

Literature cited by the submitters: PubMed 24728327 (cited by ITMI).

NM_024408.4(NOTCH2):c.3700C>T (p.His1234Tyr)

Gene: NOTCH2 (notch receptor 2; minus strand). Cytogenetic location: 1p12.
Variant type: single nucleotide variant.
Coding change: c.3700C>T on transcript NM_024408.4 (MANE Select); coding-DNA position 3700, C replaced by T.
Protein change: p.His1234Tyr; replaces histidine 1234 with tyrosine.
Molecular consequence: missense variant.
Genome position (GRCh38, 1-based): chr1:119,929,168, G>A on the plus strand (C>T on the coding strand, the complement: NOTCH2 is on the minus strand). VCF-style: chr1-119929168-G-A. GRCh37 (hg19) VCF-style: chr1-120471791-G-A.
Other names: short protein forms H1234Y.
Identifiers: ClinVar variation 134970 (VCV000134970.8), dbSNP rs797044475, ClinGen allele CA161267.